The following is an entry in ClinVar:

ClinVar aggregate classification (germline): Uncertain significance (1 of 4 stars; one submission).

Conditions:
Developmental and epileptic encephalopathy, 1 (DEE1). Also called: INFANTILE SPASM SYNDROME, X-LINKED 1; X-linked infantile spasms; West's syndrome; Tonic spasms with clustering, arrest of psychomotor development and hypsarrhythmia on EEG; X-Linked Infantile Spasm Syndrome; OHTAHARA SYNDROME, X-LINKED. Identifiers: MedGen C3463992, MONDO:0010632, OMIM 308350. Disease mechanism: loss of function.
Intellectual disability, X-linked, with or without seizures, ARX-related. Also called: MENTAL RETARDATION, X-LINKED 29; MENTAL RETARDATION, X-LINKED 32; MENTAL RETARDATION, X-LINKED 33; MENTAL RETARDATION, X-LINKED 38; MENTAL RETARDATION, X-LINKED 43; MENTAL RETARDATION, X-LINKED 76. Identifiers: Orphanet 777, MedGen C0796244, MONDO:0010317, OMIM 300419.

Submission:

Labcorp Genetics (formerly Invitae), Labcorp
Classification: Uncertain significance for Developmental and epileptic encephalopathy, 1; Intellectual disability, X-linked, with or without seizures, ARX-related. Last evaluated: 2024-10-16. Review status: criteria provided, single submitter. Criteria: Invitae Variant Classification Sherloc (09022015). Collection method: clinical testing. Allele origin: germline.
Comment: This variant, c.351_356dup, results in the insertion of 2 amino acid(s) of the ARX protein (p.Thr118_Ala119dup), but otherwise preserves the integrity of the reading frame. The frequency data for this variant in the population databases is considered unreliable, as metrics indicate insufficient coverage at this position in the gnomAD database. This variant has not been reported in the literature in individuals affected with ARX-related conditions. In summary, the available evidence is currently insufficient to determine the role of this variant in disease. Therefore, it has been classified as a Variant of Uncertain Significance.

NM_139058.3(ARX):c.345CACGGC[3] (p.Ala119_Gly120insThrAla)

Genes: ARX (aristaless related homeobox; minus strand), LOC109610631 (aristaless related homeobox polyalanine expansion region; plus strand). Cytogenetic location: Xp21.3.
Variant type: Microsatellite.
Coding change: c.345CACGGC[3] on transcript NM_139058.3 (MANE Select); three copies in a row of the 6-base unit CACGGC starting at c.345; the reference has two copies in a row; one copy, 6 bases duplicated.
Protein change: p.Ala119_Gly120insThrAla.
Molecular consequence: inframe insertion.
Genome position (GRCh38, 1-based): chrX:25,013,639-25,013,644, GCCGTG duplicated on the plus strand (CACGGC on the coding strand, the reverse complement: ARX is on the minus strand); duplicating any 6 consecutive bases within chrX:25,013,639-25,013,652 gives the same sequence; the position shown is the placement nearest the transcript's 3' end. VCF-style (leftmost placement, unchanged base first): chrX-25013638-C-CGCCGTG. GRCh37 (hg19) VCF-style: chrX-25031755-C-CGCCGTG.
Identifiers: ClinVar variation 1998762 (VCV001998762.4), dbSNP rs2048713060, ClinGen allele CA2420209365.